The following is an entry in ClinVar:

NM_020975.6(RET):c.1024G>A (p.Ala342Thr)

Gene: RET (ret proto-oncogene; plus strand). Cytogenetic location: 10q11.21.
Variant type: single nucleotide variant.
Coding change: c.1024G>A on transcript NM_020975.6 (MANE Select); coding-DNA position 1024, G replaced by A.
Protein change: p.Ala342Thr; replaces alanine 342 with threonine.
Molecular consequence: missense variant. On other transcripts: intron variant (25).
Genome position (GRCh38, 1-based): chr10:43,106,532, G>A. VCF-style: chr10-43106532-G-A. GRCh37 (hg19) VCF-style: chr10-43601980-G-A.
Other names: c.736G>A, p.Ala246Thr (NM_001406770.1, NM_001406766.1, NM_001406767.1); c.1024G>A, p.Ala342Thr (NM_020630.7, NM_001406760.1, NM_001406763.1 and 4 more transcripts); c.867+1339G>A (NM_001406772.1, NM_001406769.1); c.626-2499G>A (NM_001406773.1, NM_001406771.1); c.625+3903G>A (NM_001406782.1, NM_001406780.1, NM_001406779.1 and 3 more transcripts); c.895G>A, p.Ala299Thr (NM_001406761.1, NM_001406762.1, NM_001406764.1 and 1 more transcripts); c.738+1339G>A (NM_001406774.1); c.496+3903G>A (NM_001406786.1, NM_001406783.1); and 5 more; short protein forms A246T, A299T, A342T, A88T.
Identifiers: ClinVar variation 4863265 (VCV004863265.1).

ClinVar aggregate classification (germline): Uncertain significance (1 of 4 stars; one submission).

Conditions:
Hereditary cancer-predisposing syndrome. Also called: Neoplastic Syndromes, Hereditary; Tumor predisposition; Hereditary Cancer Syndrome; Hereditary neoplastic syndrome. Identifiers: Orphanet 140162, MedGen C0027672, MeSH D009386, MONDO:0015356.

Submission:

Ambry Genetics
Classification: Uncertain significance for Hereditary cancer-predisposing syndrome. Last evaluated: 2026-04-25. Review status: criteria provided, single submitter. Criteria: Ambry Variant Classification Scheme 2023. Collection method: clinical testing. Allele origin: germline.
Comment: The p.A342T variant (also known as c.1024G>A), located in coding exon 5 of the RET gene, results from a G to A substitution at nucleotide position 1024. The alanine at codon 342 is replaced by threonine, an amino acid with similar properties. This amino acid position is conserved. In addition, this alteration is predicted to be tolerated by in silico analysis. Based on the available evidence, the clinical significance of this variant remains unclear.